The following is an entry in ClinVar:

ClinVar aggregate classification (germline): Conflicting classifications of pathogenicity. Review status: criteria provided, conflicting classifications (1 of 4 stars). 5 submissions from 5 submitters: Uncertain significance (2); Likely benign (3). Last evaluated 2025-12-21.

Conditions:
Cardiovascular phenotype. Identifiers: MedGen CN230736.
Duchenne muscular dystrophy (DMD). Also called: Duchenne Muscular Dystrophy (DMD); MUSCULAR DYSTROPHY, PSEUDOHYPERTROPHIC PROGRESSIVE, DUCHENNE TYPE. Identifiers: Orphanet 98896, MedGen C0013264, MONDO:0010679, OMIM 310200.

Allele frequency attached by ClinVar (database versions not stated): gnomAD 0.00001; ExAC 0.00002; gnomAD exomes 0.00002; TOPMed 0.00002.

Submissions (5):

Labcorp Genetics (formerly Invitae), Labcorp
Classification: Likely benign for Duchenne muscular dystrophy. Last evaluated: 2025-12-21. Review status: criteria provided, single submitter. Criteria: Invitae Variant Classification Sherloc (09022015). Collection method: clinical testing. Allele origin: germline.

Blueprint Genetics
Classification: Likely benign. Last evaluated: 2023-10-17. Review status: criteria provided, single submitter. Criteria: ACMG Guidelines, 2015. Collection method: clinical testing. Allele origin: germline.

Ambry Genetics
Classification: Uncertain significance for Cardiovascular phenotype. Last evaluated: 2022-09-19. Review status: criteria provided, single submitter. Criteria: Ambry Variant Classification Scheme 2023. Collection method: clinical testing. Allele origin: germline.

GeneDx
Classification: Likely benign. Last evaluated: 2017-09-22. Review status: criteria provided, single submitter. Criteria: GeneDx Variant Classification (06012015). Collection method: clinical testing. Allele origin: germline. Affected: yes.
Comment: This variant is considered likely benign or benign based on one or more of the following criteria: it is a conservative change, it occurs at a poorly conserved position in the protein, it is predicted to be benign by multiple in silico algorithms, and/or has population frequency not consistent with disease.

Eurofins Ntd Llc (ga)
Classification: Uncertain significance. Last evaluated: 2013-10-18. Review status: criteria provided, single submitter. Criteria: EGL Classification Definitions 2015. Collection method: clinical testing. Allele origin: germline. Observed: 2 variant alleles, 2 heterozygotes.

NM_004006.3(DMD):c.4775T>C (p.Met1592Thr)

Gene: DMD (dystrophin; minus strand). Cytogenetic location: Xp21.1.
Variant type: single nucleotide variant.
Coding change: c.4775T>C on transcript NM_004006.3 (MANE Select); coding-DNA position 4775, T replaced by C.
Protein change: p.Met1592Thr; replaces methionine 1592 with threonine.
Molecular consequence: missense variant.
Genome position (GRCh38, 1-based): chrX:32,380,580, A>G on the plus strand (T>C on the coding strand, the complement: DMD is on the minus strand). VCF-style: chrX-32380580-A-G. GRCh37 (hg19) VCF-style: chrX-32398697-A-G.
Other names: c.4751T>C, p.Met1584Thr (NM_000109.4); c.4763T>C, p.Met1588Thr (NM_004009.3); c.4406T>C, p.Met1469Thr (NM_004010.3); c.752T>C, p.Met251Thr (NM_004011.4); c.743T>C, p.Met248Thr (NM_004012.4); short protein forms M1584T, M248T, M251T, M1469T, M1588T.
Identifiers: ClinVar variation 94638 (VCV000094638.14), dbSNP rs398123966, ClinGen allele CA222410.